The following is an entry in ClinVar:

ClinVar aggregate classification (germline): Uncertain significance (1 of 4 stars; one submission).

gnomAD v4.1: 1 of 1,613,070 alleles (0.000062%); highest among the groups gnomAD compares: Non-Finnish European, 0.000085%; no homozygotes.

Submission:

Ambry Genetics
Classification: Uncertain significance. Last evaluated: 2026-08-10. Review status: criteria provided, single submitter. Criteria: Ambry Variant Classification Scheme 2023. Collection method: clinical testing. Allele origin: germline.
Comment: The p.K107Q variant (also known as c.319A>C), located in coding exon 3 of the RECQL gene, results from an A to C substitution at nucleotide position 319. The lysine at codon 107 is replaced by glutamine, an amino acid with similar properties. This amino acid position is conserved. In addition, this alteration is predicted to be tolerated by in silico analysis. Based on the available evidence, the clinical significance of this variant remains unclear.

NM_002907.4(RECQL):c.319A>C (p.Lys107Gln)

Gene: RECQL (RecQ like helicase; minus strand). Cytogenetic location: 12p12.1.
Variant type: single nucleotide variant.
Coding change: c.319A>C on transcript NM_002907.4 (MANE Select); coding-DNA position 319, A replaced by C.
Protein change: p.Lys107Gln; replaces lysine 107 with glutamine.
Molecular consequence: missense variant.
Genome position (GRCh38, 1-based): chr12:21,490,274, T>G on the plus strand (A>C on the coding strand, the complement: RECQL is on the minus strand). VCF-style: chr12-21490274-T-G. GRCh37 (hg19) VCF-style: chr12-21643208-T-G.
Other names: c.319A>C, p.Lys107Gln (NM_032941.3); short protein forms K107Q.
Identifiers: ClinVar variation 5028055 (VCV005028055.1).
Genomic context (GRCh38, chr12:21,490,274, plus strand): 5'-CTGGTAACTGGTAACATAAGCTCTTTCCACCTCCTGTAGGCATAACAAGAAATACCTCCT[T>G]TCCAGCCATTGTTACGTTAATAGTTTCAAGCTGAAGTGGTCTGAACTTTTCCAGTTTAAA-3'
Protein context (NP_002898.2, residues 97-117): LETINVTMAG[Lys107Gln]EVFLVMPTGG